The following is an entry in ClinVar:

NM_001849.4(COL6A2):c.2549A>G (p.His850Arg)

Gene: COL6A2 (collagen type VI alpha 2 chain; plus strand). Cytogenetic location: 21q22.3.
Variant type: single nucleotide variant.
Coding change: c.2549A>G on transcript NM_001849.4 (MANE Select); coding-DNA position 2549, A replaced by G.
Protein change: p.His850Arg; replaces histidine 850 with arginine.
Molecular consequence: missense variant.
Genome position (GRCh38, 1-based): chr21:46,132,041, A>G. VCF-style: chr21-46132041-A-G. GRCh37 (hg19) VCF-style: chr21-47551955-A-G.
Other names: short protein forms H850R.
Identifiers: ClinVar variation 2088369 (VCV002088369.4), dbSNP rs1321526033, ClinGen allele CA410548326.

ClinVar aggregate classification (germline): Uncertain significance (1 of 4 stars; one submission).

Conditions:
Bethlem myopathy 1A. Also called: MYOPATHY, BENIGN CONGENITAL, WITH CONTRACTURES; Bethlem myopathy 1; Bethlem Muscular Dystrophy. Identifiers: Orphanet 610, MedGen CN029274, MONDO:0024530, OMIM 158810.

Allele frequency attached by ClinVar (database versions not stated): gnomAD exomes below 0.00001.
gnomAD v4.1: 2 of 1,608,278 alleles (0.00012%); highest among the groups gnomAD compares: Non-Finnish European, 0.00017%; no homozygotes.

Submission:

Labcorp Genetics (formerly Invitae), Labcorp
Classification: Uncertain significance for Bethlem myopathy 1A. Last evaluated: 2022-10-19. Review status: criteria provided, single submitter. Criteria: Invitae Variant Classification Sherloc (09022015). Collection method: clinical testing. Allele origin: germline.
Comment: In summary, the available evidence is currently insufficient to determine the role of this variant in disease. Therefore, it has been classified as a Variant of Uncertain Significance. Advanced modeling of protein sequence and biophysical properties (such as structural, functional, and spatial information, amino acid conservation, physicochemical variation, residue mobility, and thermodynamic stability) performed at Invitae indicates that this missense variant is not expected to disrupt COL6A2 protein function. This variant has not been reported in the literature in individuals affected with COL6A2-related conditions. The frequency data for this variant in the population databases is considered unreliable, as metrics indicate poor data quality at this position in the gnomAD database. This sequence change replaces histidine, which is basic and polar, with arginine, which is basic and polar, at codon 850 of the COL6A2 protein (p.His850Arg).